The following is an entry in ClinVar:

ClinVar aggregate classification (germline): Benign. Review status: criteria provided, multiple submitters, no conflicts (2 of 4 stars). 15 submissions from 13 submitters: Benign (13). 2 of the submissions do not count toward it. Last evaluated 2026-02-04.

Conditions:
MYH9-related disorder. Identifiers: MedGen C1854520.
Autosomal dominant nonsyndromic hearing loss 17. Also called: Deafness, autosomal dominant 17; Autosomal dominant nonsyndromic deafness 17. Identifiers: Orphanet 90635, MedGen C1863659, MONDO:0011350, OMIM 603622.
Macrothrombocytopenia and granulocyte inclusions with or without nephritis or sensorineural hearing loss (MATINS). Also called: SEBASTIAN PLATELET SYNDROME; MACROTHROMBOCYTOPENIA WITH DISPERSED LEUKOCYTIC INCLUSIONS; MACROTHROMBOCYTOPENIA, NEPHRITIS, AND DEAFNESS; MACROTHROMBOCYTOPENIA, NEPHRITIS, DEAFNESS, AND LEUKOCYTE INCLUSIONS; ALPORT SYNDROME WITH MACROTHROMBOCYTOPENIA; Fechtner syndrome. Identifiers: Orphanet 182050, MedGen C5200934, MONDO:0015912, OMIM 155100.

Allele frequency attached by ClinVar (database versions not stated): ESP Exome Variant Server 0.97124; gnomAD 0.97278; TOPMed 0.97539; gnomAD exomes 0.97582; 1000 Genomes Project 30x 0.98126; 1000 Genomes Project 0.98263.
gnomAD v4.1: 1,574,417 of 1,613,802 alleles (98%); highest among the groups gnomAD compares: East Asian, 100%; 768,040 homozygotes.

Submissions (15):

Labcorp Genetics (formerly Invitae), Labcorp
Classification: Benign. Last evaluated: 2026-02-04. Review status: criteria provided, single submitter. Criteria: Invitae Variant Classification Sherloc (09022015). Collection method: clinical testing. Allele origin: germline.

ARUP Laboratories, Molecular Genetics and Genomics, ARUP Laboratories
Classification: Benign. Last evaluated: 2025-07-28. Review status: criteria provided, single submitter. Criteria: ARUP Molecular Germline Variant Investigation Process 2024. Collection method: clinical testing. Allele origin: germline.

Blueprint Genetics
Classification: Benign. Last evaluated: 2024-11-28. Review status: criteria provided, single submitter. Criteria: ACMG Guidelines, 2015. Collection method: clinical testing. Allele origin: germline.

Unidad de Genómica Garrahan, Hospital de Pediatría Garrahan
Classification: Benign. Last evaluated: 2024-07-15. Review status: criteria provided, single submitter. Criteria: ACMG Guidelines, 2015. Collection method: clinical testing. Allele origin: germline. Affected: no. Observed: 93 variant alleles.
Comment: This variant is classified as Benign based on local population frequency. This variant was detected in 100% of patients studied in a panel designed for Epileptic and Developmental Encephalopathy and Progressive Myoclonus Epilepsy. Number of patients: 93. Only high quality variants are reported.

Mayo Clinic Laboratories, Mayo Clinic
Classification: Benign. Last evaluated: 2022-09-29. Review status: criteria provided, single submitter. Criteria: ACMG Guidelines, 2015. Collection method: clinical testing. Allele origin: germline. Observed: 1,069 variant alleles.

Genome-Nilou Lab
Classification: Benign for Autosomal dominant nonsyndromic hearing loss 17. Last evaluated: 2021-09-05. Review status: criteria provided, single submitter. Criteria: ACMG Guidelines, 2015. Collection method: clinical testing. Allele origin: germline. Affected: no.

Genome-Nilou Lab
Classification: Benign for Macrothrombocytopenia and granulocyte inclusions with or without nephritis or sensorineural hearing loss. Last evaluated: 2021-09-05. Review status: criteria provided, single submitter. Criteria: ACMG Guidelines, 2015. Collection method: clinical testing. Allele origin: germline. Affected: no.

Illumina Laboratory Services, Illumina
Classification: Benign for MYH9-related disorder. Last evaluated: 2018-01-13. Review status: criteria provided, single submitter. Criteria: ICSL Variant Classification Criteria 13 December 2019. Collection method: clinical testing. Allele origin: germline.
Comment: This variant was observed in the ICSL laboratory as part of a predisposition screen in an ostensibly healthy population. It had not been previously curated by ICSL or reported in the Human Gene Mutation Database (HGMD: prior to June 1st, 2018), and was therefore a candidate for classification through an automated scoring system. Utilizing variant allele frequency, disease prevalence and penetrance estimates, and inheritance mode, an automated score was calculated to assess if this variant is too frequent to cause the disease. Based on the score and internal cut-off values, a variant classified as benign is not then subjected to further curation. The score for this variant resulted in a classification of benign for this disease.

Illumina Laboratory Services, Illumina
Classification: Benign for Autosomal dominant nonsyndromic hearing loss 17. Last evaluated: 2018-01-13. Review status: criteria provided, single submitter. Criteria: ICSL Variant Classification Criteria 13 December 2019. Collection method: clinical testing. Allele origin: germline.
Comment: the same text as in the submission from Illumina Laboratory Services, Illumina above.

GeneDx
Classification: Benign. Last evaluated: 2017-05-09. Review status: criteria provided, single submitter. Criteria: GeneDx Variant Classification (06012015). Collection method: clinical testing. Allele origin: germline. Affected: yes.
Comment: This variant is considered likely benign or benign based on one or more of the following criteria: it is a conservative change, it occurs at a poorly conserved position in the protein, it is predicted to be benign by multiple in silico algorithms, and/or has population frequency not consistent with disease.

Laboratory for Molecular Medicine, Mass General Brigham Personalized Medicine
Classification: Benign. Last evaluated: 2012-05-07. Review status: criteria provided, single submitter. Criteria: LMM Criteria. Collection method: clinical testing. Allele origin: germline. Observed: 1,654 variant alleles.
Comment: "Ala1143Ala in Exon 26 of MYH9: This variant is not expected to have clinical si gnificance because it does not alter an amino acid residue, is not located withi n the splice consensus sequence, and has been identified in 2.9% (205/7020) of E uropean American chromosomes from a broad population by the NHLBI Exome Sequenci ng Project (dbSNP rs710181)."

Breakthrough Genomics
Classification: Benign. Review status: criteria provided, single submitter. Criteria: ACMG Guidelines, 2015. Collection method: not provided. Allele origin: germline. Inheritance: Autosomal dominant inheritance. Affected: yes.

PreventionGenetics, part of Exact Sciences
Classification: Benign. Review status: criteria provided, single submitter. Criteria: ACMG Guidelines, 2015. Collection method: clinical testing. Allele origin: germline.

Diagnostic Laboratory, Department of Genetics, University Medical Center Groningen
Classification: Benign. Review status: no assertion criteria provided. Collection method: clinical testing. Allele origin: germline. Affected: yes. Study: VKGL Data-share Consensus. Not counted in ClinVar's aggregate classification.

Joint Genome Diagnostic Labs from Nijmegen and Maastricht, Radboudumc and MUMC+
Classification: Benign. Review status: no assertion criteria provided. Collection method: clinical testing. Allele origin: germline. Affected: yes. Study: VKGL Data-share Consensus. Not counted in ClinVar's aggregate classification.

NM_002473.6(MYH9):c.3429T>G (p.Ala1143=)

Gene: MYH9 (myosin heavy chain 9; minus strand). Cytogenetic location: 22q12.3.
Variant type: single nucleotide variant.
Coding change: c.3429T>G on transcript NM_002473.6 (MANE Select); coding-DNA position 3429, T replaced by G.
Protein change: p.Ala1143=; no amino-acid change (alanine 1143 retained).
Molecular consequence: synonymous variant.
Genome position (GRCh38, 1-based): chr22:36,295,561, A>C on the plus strand (T>G on the coding strand, the complement: MYH9 is on the minus strand). VCF-style: chr22-36295561-A-C. GRCh37 (hg19) VCF-style: chr22-36691607-A-C.
Other names: p.Ala1143=; c.3429T>G (NM_002473.5).
Identifiers: ClinVar variation 44559 (VCV000044559.33), dbSNP rs710181, ClinGen allele CA134529.